The following is an entry in ClinVar:

ClinVar aggregate classification (germline): Uncertain significance. Review status: criteria provided, multiple submitters, no conflicts (2 of 4 stars). 3 submissions from 3 submitters: Uncertain significance (3). Last evaluated 2026-03-12.

Conditions:
Cardiomyopathy (CMYO). Also called: Cardiomyopathies. Identifiers: Orphanet 167848, MedGen C0878544, MONDO:0004994, HP:0001638. Inheritance: Various modes of inheritance.
Cardiovascular phenotype. Identifiers: MedGen CN230736.

Allele frequency attached by ClinVar (database versions not stated): gnomAD exomes below 0.00001.

Submissions (3):

Ambry Genetics
Classification: Uncertain significance for Cardiovascular phenotype. Last evaluated: 2026-03-12. Review status: criteria provided, single submitter. Criteria: Ambry Variant Classification Scheme 2023. Collection method: clinical testing. Allele origin: germline.
Comment: The p.N180S variant (also known as c.539A>G), located in coding exon 2 of the FLNC gene, results from an A to G substitution at nucleotide position 539. The asparagine at codon 180 is replaced by serine, an amino acid with highly similar properties. This amino acid position is conserved. In addition, the in silico prediction for this alteration is inconclusive. Based on the available evidence, the clinical significance of this variant remains unclear.

GeneDx
Classification: Uncertain significance. Last evaluated: 2026-02-10. Review status: criteria provided, single submitter. Criteria: GeneDx Variant Classification Process June 2021. Collection method: clinical testing. Allele origin: germline.
Comment: Not observed at significant frequency in large population cohorts (gnomAD); In silico analysis supports that this missense variant has a deleterious effect on protein structure/function; Has not been previously published as pathogenic or benign to our knowledge

Clinical Genetics Laboratory, Region Ostergotland
Classification: Uncertain significance for Cardiomyopathy. Last evaluated: 2024-07-12. Review status: criteria provided, single submitter. Criteria: ACMG Guidelines, 2015. Collection method: clinical testing. Allele origin: germline. Affected: yes.
Comment: PM2, PP3

NM_001458.5(FLNC):c.539A>G (p.Asn180Ser)

Gene: FLNC (filamin C; plus strand). Cytogenetic location: 7q32.1.
Variant type: single nucleotide variant.
Coding change: c.539A>G on transcript NM_001458.5 (MANE Select); coding-DNA position 539, A replaced by G.
Protein change: p.Asn180Ser; replaces asparagine 180 with serine.
Molecular consequence: missense variant.
Genome position (GRCh38, 1-based): chr7:128,835,512, A>G. VCF-style: chr7-128835512-A-G. GRCh37 (hg19) VCF-style: chr7-128475566-A-G.
Other names: c.539A>G, p.Asn180Ser (NM_001127487.2); short protein forms N180S.
Identifiers: ClinVar variation 1333110 (VCV001333110.4), dbSNP rs2128933682, ClinGen allele CA369219587.